The following is an entry in ClinVar:

NM_002474.3(MYH11):c.1763C>T (p.Ala588Val)

Gene: MYH11 (myosin heavy chain 11; minus strand). Cytogenetic location: 16p13.11.
Variant type: single nucleotide variant.
Coding change: c.1763C>T on transcript NM_002474.3 (MANE Select); coding-DNA position 1763, C replaced by T.
Protein change: p.Ala588Val; replaces alanine 588 with valine.
Molecular consequence: missense variant.
Genome position (GRCh38, 1-based): chr16:15,753,495, G>A on the plus strand (C>T on the coding strand, the complement: MYH11 is on the minus strand). VCF-style: chr16-15753495-G-A. GRCh37 (hg19) VCF-style: chr16-15847352-G-A.
Other names: p.A588V:GCG>GTG; c.1784C>T, p.Ala595Val (NM_001040113.2, NM_001040114.2); c.1763C>T, p.Ala588Val (NM_022844.3); c.1784C>T (NM_001040113.1); short protein forms A588V, A595V.
Identifiers: ClinVar variation 201052 (VCV000201052.4), dbSNP rs794728667, ClinGen allele CA306498.

ClinVar aggregate classification (germline): Uncertain significance. Review status: criteria provided, multiple submitters, no conflicts (2 of 4 stars). 2 submissions from 2 submitters: Uncertain significance (2). Last evaluated 2021-08-27.

Conditions:
Familial thoracic aortic aneurysm and aortic dissection (TAAD). Also called: Thoracic aortic aneurysms and dissections. Identifiers: Orphanet 91387, MedGen C4707243, MONDO:0019625.

Allele frequency attached by ClinVar (database versions not stated): gnomAD exomes below 0.00001.
gnomAD v4.1: 2 of 1,613,960 alleles (0.00012%); highest among the groups gnomAD compares: South Asian, 0.0011%; no homozygotes.

Submissions (2):

CHEO Genetics Diagnostic Laboratory, Children's Hospital of Eastern Ontario
Classification: Uncertain significance for Familial thoracic aortic aneurysm and aortic dissection. Last evaluated: 2021-08-27. Review status: criteria provided, single submitter. Criteria: ACMG Guidelines, 2015. Collection method: clinical testing. Allele origin: germline.

GeneDx
Classification: Uncertain significance. Last evaluated: 2014-03-30. Review status: criteria provided, single submitter. Criteria: GeneDx Variant Classification (06012015). Collection method: clinical testing. Allele origin: germline. Affected: yes.
Comment: The A588V variant has neither been published as a mutation or reported as a benign polymorphism to our knowledge. The A588V variant was not observed in approximately 6,500 individuals of European and African American ancestry in the NHLBI Exome Sequencing Project, indicating it is not a common benign variant in these populations. The A588V variant is a conservative amino acid substitution, which is not likely to impact secondary protein structure as these residues share similar properties. No missense mutations in nearby residues have been reported. However, this substitution occurs at a position that is conserved across species. Additionally, in silico analysis predicts this variant is probably damaging to the protein structure/function. Therefore, based on the currently available information, it is unclear whether this variant is a pathogenic mutation or a rare benign variant. The variant is found in TAAD panel(s).